The following is an entry in ClinVar:

ClinVar aggregate classification (germline): Benign/Likely benign. Review status: criteria provided, multiple submitters, no conflicts (2 of 4 stars). 9 submissions from 9 submitters: Benign (5); Likely benign (3). 1 of the submissions does not count toward it. Last evaluated 2026-04-01.

Conditions:
Inborn genetic diseases. Identifiers: MedGen C0950123, MeSH D030342.
Cortical dysplasia, complex, with other brain malformations 13. Also called: Intellectual disability, autosomal dominant 13. Identifiers: MedGen C3281202, MONDO:0013805, OMIM 614563.
Autosomal dominant childhood-onset proximal spinal muscular atrophy without contractures. Also called: Spinal muscular atrophy, lower extremity-predominant 1, AD; SPINAL MUSCULAR ATROPHY, CHILDHOOD, PROXIMAL, AUTOSOMAL DOMINANT; SPINAL MUSCULAR ATROPHY, JUVENILE, PROXIMAL, AUTOSOMAL DOMINANT; KUGELBERG-WELANDER SYNDROME, AUTOSOMAL DOMINANT. Identifiers: Orphanet 209341, Orphanet 363447, MedGen C5780022, MONDO:0008026, OMIM 158600.
Charcot-Marie-Tooth disease axonal type 2O. Also called: CHARCOT-MARIE-TOOTH NEUROPATHY, AXONAL, TYPE 2O; CHARCOT-MARIE-TOOTH DISEASE, AXONAL, AUTOSOMAL DOMINANT, TYPE 2O; Charcot-Marie-Tooth disease, axonal, type 20; Charcot-Marie-Tooth Neuropathy Type 2O. Identifiers: Orphanet 284232, MedGen C3280220, MONDO:0013644, OMIM 614228.
DYNC1H1-related disorder. Also called: DYNC1H1-related condition; DYNC1H1-related disorders. Identifiers: MedGen CN381529.

Allele frequency attached by ClinVar (database versions not stated): gnomAD 0.00009 and 0.00010; 1000 Genomes Project 0.00040; TOPMed 0.00043; 1000 Genomes Project 30x 0.00047; gnomAD exomes 0.00090; ExAC 0.00124.
gnomAD v4.1: 222 of 1,590,590 alleles (0.014%); highest among the groups gnomAD compares: Admixed American, 0.38%; 1 homozygote.

Submissions (9):

CeGaT Center for Human Genetics Tuebingen
Classification: Likely benign. Last evaluated: 2026-04-01. Review status: criteria provided, single submitter. Criteria: CeGaT Center For Human Genetics Tuebingen Variant Classification Criteria Version 2. Collection method: clinical testing. Allele origin: germline. Affected: yes. Observed: 3 variant alleles.
Comment: DYNC1H1: BS1

Labcorp Genetics (formerly Invitae), Labcorp
Classification: Benign for Charcot-Marie-Tooth disease axonal type 2O. Last evaluated: 2026-01-21. Review status: criteria provided, single submitter. Criteria: Invitae Variant Classification Sherloc (09022015). Collection method: clinical testing. Allele origin: germline.

Mayo Clinic Laboratories, Mayo Clinic
Classification: Benign. Last evaluated: 2025-09-18. Review status: criteria provided, single submitter. Criteria: ACMG Guidelines, 2015. Collection method: clinical testing. Allele origin: germline. Observed: 1 variant allele.
Comment: BA1, BP4, BP7

Athena Diagnostics
Classification: Benign. Last evaluated: 2024-09-24. Review status: criteria provided, single submitter. Criteria: Athena Diagnostics Criteria. Collection method: clinical testing. Allele origin: unknown.

Blueprint Genetics
Classification: Likely benign. Last evaluated: 2024-09-20. Review status: criteria provided, single submitter. Criteria: ACMG Guidelines, 2015. Collection method: clinical testing. Allele origin: germline.

Fulgent Genetics
Classification: Likely benign for Autosomal dominant childhood-onset proximal spinal muscular atrophy without contractures; Charcot-Marie-Tooth disease axonal type 2O; Cortical dysplasia, complex, with other brain malformations 13. Last evaluated: 2022-05-19. Review status: criteria provided, single submitter. Criteria: ACMG Guidelines, 2015. Collection method: clinical testing. Allele origin: unknown.

GeneDx
Classification: Benign. Last evaluated: 2020-09-28. Review status: criteria provided, single submitter. Criteria: GeneDx Variant Classification Process June 2021. Collection method: clinical testing. Allele origin: germline. Affected: yes.

Ambry Genetics
Classification: Benign for Inborn genetic diseases. Last evaluated: 2016-10-21. Review status: criteria provided, single submitter. Criteria: Ambry Variant Classification Scheme 2023. Collection method: clinical testing. Allele origin: germline.

PreventionGenetics, part of Exact Sciences
Classification: Benign for DYNC1H1-related condition. Last evaluated: 2023-05-31. Review status: no assertion criteria provided. Collection method: clinical testing. Allele origin: germline. Not counted in ClinVar's aggregate classification.
Comment: This variant is classified as benign based on ACMG/AMP sequence variant interpretation guidelines (Richards et al. 2015 PMID: 25741868, with internal and published modifications).

NM_001376.5(DYNC1H1):c.256+4C>T

Gene: DYNC1H1 (dynein cytoplasmic 1 heavy chain 1; plus strand). Cytogenetic location: 14q32.31.
Variant type: single nucleotide variant.
Coding change: c.256+4C>T on transcript NM_001376.5 (MANE Select); 4 bases into the intron after coding-DNA position 256, C replaced by T.
Molecular consequence: intron variant.
Genome position (GRCh38, 1-based): chr14:101,964,951, C>T. VCF-style: chr14-101964951-C-T. GRCh37 (hg19) VCF-style: chr14-102431288-C-T.
Other names: p.?.
Identifiers: ClinVar variation 385681 (VCV000385681.28), dbSNP rs546058194, ClinGen allele CA7351468.
Genomic context (GRCh38, chr14:101,964,951, plus strand): 5'-AGTTCCTTTCGGACCCGCAGGTCCACACGGTGCTGGTGGAGCGCTCCACGCTCAAAGGTG[C>T]GGGGCCGCGGAGGGCAGGGTCGCCAGAGCCAGGCCTCGCGGAATGCAGGGCCTGCCAGGT-3'